The following is an entry in ClinVar:

ClinVar aggregate classification (germline): Uncertain significance (1 of 4 stars; one submission).

Submission:

GeneDx
Classification: Uncertain significance. Last evaluated: 2025-07-07. Review status: criteria provided, single submitter. Criteria: GeneDx Variant Classification Process June 2021. Collection method: clinical testing. Allele origin: germline. Affected: yes.
Comment: Not observed at significant frequency in large population cohorts (gnomAD); In silico analysis supports that this missense variant has a deleterious effect on protein structure/function; Has not been previously published as pathogenic or benign to our knowledge

NM_002775.5(HTRA1):c.257G>A (p.Gly86Glu)

Gene: HTRA1 (HtrA serine peptidase 1; plus strand). Cytogenetic location: 10q26.13.
Variant type: single nucleotide variant.
Coding change: c.257G>A on transcript NM_002775.5 (MANE Select); coding-DNA position 257, G replaced by A.
Protein change: p.Gly86Glu; replaces glycine 86 with glutamic acid.
Molecular consequence: missense variant.
Genome position (GRCh38, 1-based): chr10:122,461,909, G>A. VCF-style: chr10-122461909-G-A. GRCh37 (hg19) VCF-style: chr10-124221425-G-A.
Other names: short protein forms G86E.
Identifiers: ClinVar variation 4685424 (VCV004685424.1).